The following is an entry in ClinVar:

NM_017780.4(CHD7):c.934C>T (p.Arg312Ter)

Gene: CHD7 (chromodomain helicase DNA binding protein 7; plus strand). Cytogenetic location: 8q12.2.
Variant type: single nucleotide variant.
Coding change: c.934C>T on transcript NM_017780.4 (MANE Select); coding-DNA position 934, C replaced by T.
Protein change: p.Arg312Ter; replaces arginine 312 with a stop codon.
Molecular consequence: nonsense.
Genome position (GRCh38, 1-based): chr8:60,742,366, C>T. VCF-style: chr8-60742366-C-T. GRCh37 (hg19) VCF-style: chr8-61654925-C-T.
Other names: c.934C>T (LRG_176t1); c.934C>T, p.Arg312Ter (NM_001316690.1); short protein forms R312*.
Identifiers: ClinVar variation 279757 (VCV000279757.42), dbSNP rs886041166, ClinGen allele CA10603101.

ClinVar aggregate classification (germline): Pathogenic. Review status: criteria provided, multiple submitters, no conflicts (2 of 4 stars). 6 submissions from 6 submitters: Pathogenic (6). Last evaluated 2024-12-11.

Conditions:
CHD7-related disorder. Also called: CHD7-related condition.
CHARGE syndrome (CHARGE). Also called: Hittner Hirsch Kreh syndrome; Coloboma, heart anomaly, choanal atresia, retardation, genital and ear anomalies; CHARGE association; Hall-Hittner syndrome; CHARGE ASSOCIATION--COLOBOMA, HEART ANOMALY, CHOANAL ATRESIA, RETARDATION, GENITAL AND EAR ANOMALIES. Identifiers: Orphanet 138, MedGen C0265354, MONDO:0008965.
Inborn genetic diseases. Identifiers: MedGen C0950123, MeSH D030342.

Allele frequency attached by ClinVar (database versions not stated): TOPMed below 0.00001.

Submissions (6):

GeneDx
Classification: Pathogenic. Last evaluated: 2024-12-11. Review status: criteria provided, single submitter. Criteria: GeneDx Variant Classification Process June 2021. Collection method: clinical testing. Allele origin: germline. Affected: yes.
Comment: Has been observed in patients with CHARGE syndrome in published literature (PMID: 31395954, 17684005, 18834967); Nonsense variant predicted to result in protein truncation or nonsense mediated decay in a gene for which loss of function is a known mechanism of disease; Not observed at significant frequency in large population cohorts (gnomAD); This variant is associated with the following publications: (PMID: 17299439, 23849776, 22461308, 16400610, 20130577, 22539353, 35904121, 21158681, 20186815, 22495309, 26590800, 10590394, 21378379, 18834967, 15300250, 17661815, 14626219, 16155193, 25472840, 15666308, 31395954, 24368733, 17684005, 35015700)

PreventionGenetics, part of Exact Sciences
Classification: Pathogenic for CHD7-related condition. Last evaluated: 2024-12-07. Review status: criteria provided, single submitter. Criteria: ACMG Guidelines, 2015. Collection method: clinical testing. Allele origin: germline.
Comment: The CHD7 c.934C>T variant is predicted to result in premature protein termination (p.Arg312*). This variant has been reported in individuals with CHARGE syndrome (see for example, Writzl et al. 2007. PubMed ID: 17684005; Yu et al. 2013. PubMed ID: 24368733; Table 3c, Wojcik et al. 2019. PubMed ID: 31395954; Kim et al. 2022. PubMed ID: 35015700). This variant has not been reported in a large population database (gnomAD), indicating this variant is rare. Nonsense variants in CHD7 are expected to be pathogenic. This variant is interpreted as pathogenic.

CeGaT Center for Human Genetics Tuebingen
Classification: Pathogenic. Last evaluated: 2023-03-01. Review status: criteria provided, single submitter. Criteria: CeGaT Center For Human Genetics Tuebingen Variant Classification Criteria Version 2. Collection method: clinical testing. Allele origin: germline. Affected: yes. Observed: 1 variant allele.
Comment: CHD7: PVS1, PS2, PM2

Labcorp Genetics (formerly Invitae), Labcorp
Classification: Pathogenic for CHARGE syndrome. Last evaluated: 2022-09-20. Review status: criteria provided, single submitter. Criteria: Invitae Variant Classification Sherloc (09022015). Collection method: clinical testing. Allele origin: germline.
Comment: This sequence change creates a premature translational stop signal (p.Arg312*) in the CHD7 gene. It is expected to result in an absent or disrupted protein product. Loss-of-function variants in CHD7 are known to be pathogenic (PMID: 22461308, 25077900). This variant is not present in population databases (gnomAD no frequency). This premature translational stop signal has been observed in individuals with clinical features of CHARGE syndrome (PMID: 17684005, 24368733, 31395954). ClinVar contains an entry for this variant (Variation ID: 279757). For these reasons, this variant has been classified as Pathogenic.

3billion
Classification: Pathogenic for CHD7-related CHARGE syndrome. Last evaluated: 2022-01-03. Review status: criteria provided, single submitter. Criteria: ACMG Guidelines, 2015. Collection method: clinical testing. Allele origin: germline. Affected: yes. Observed: 1 heterozygote.
Comment: The variant has been reported at least twice as pathogenic/likely pathogenic with clinical assertions and evidence for the classification (ClinVar ID: VCV000279757, PMID:17684005). Stop-gained (nonsense): predicted to result in a loss or disruption of normal protein function through nonsense-mediated decay (NMD) or protein truncation. Multiple pathogenic variants are reported downstream of the variant (PVS1_VS). It is not observed in the gnomAD v2.1.1 dataset (PM2_M). Therefore, this variant is classified as pathogenic according to the recommendation of ACMG/AMP guideline.

Ambry Genetics
Classification: Pathogenic for Inborn genetic diseases. Last evaluated: 2015-12-29. Review status: criteria provided, single submitter. Criteria: Ambry exome assertion method (8-5-2015). Collection method: clinical testing. Allele origin: germline. Affected: yes. Observed: 1 variant allele.

Literature cited by the submitters: PubMed 22461308 (cited by Labcorp Genetics (formerly Invitae), Labcorp); PubMed 25077900 (cited by Labcorp Genetics (formerly Invitae), Labcorp); PubMed 17684005 (cited by 3 submitters); PubMed 24368733 (cited by Labcorp Genetics (formerly Invitae), Labcorp); PubMed 31395954 (cited by Labcorp Genetics (formerly Invitae), Labcorp).